The following is an entry in ClinVar:

ClinVar aggregate classification (germline): Uncertain significance (1 of 4 stars; one submission).

Conditions:
ADCY3-related disorder. Also called: ADCY3-related condition.

Submission:

PreventionGenetics, part of Exact Sciences
Classification: Uncertain significance for ADCY3-related condition. Last evaluated: 2025-05-15. Review status: criteria provided, single submitter. Criteria: ACMG Guidelines, 2015. Collection method: clinical testing. Allele origin: germline.
Comment: The ADCY3 c.797T>C variant is predicted to result in the amino acid substitution p.Met266Thr. To our knowledge, this variant has not been reported in the literature or in a large population database (gnomAD), indicating this variant is rare. At this time, the clinical significance of this variant is uncertain due to the absence of conclusive functional and genetic evidence.

NM_004036.5(ADCY3):c.797T>C (p.Met266Thr)

Gene: ADCY3 (adenylate cyclase 3; minus strand). Cytogenetic location: 2p23.3.
Variant type: single nucleotide variant.
Coding change: c.797T>C on transcript NM_004036.5 (MANE Select); coding-DNA position 797, T replaced by C.
Protein change: p.Met266Thr; replaces methionine 266 with threonine.
Molecular consequence: missense variant.
Genome position (GRCh38, 1-based): chr2:24,872,598, A>G on the plus strand (T>C on the coding strand, the complement: ADCY3 is on the minus strand). VCF-style: chr2-24872598-A-G. GRCh37 (hg19) VCF-style: chr2-25095467-A-G.
Other names: c.797T>C, p.Met266Thr (NM_001320613.2, NM_001377128.1, NM_001377129.1 and 2 more transcripts); c.74T>C, p.Met25Thr (NM_001377131.1); short protein forms M25T, M266T.
Identifiers: ClinVar variation 4990180 (VCV004990180.1).
Genomic context (GRCh38, chr2:24,872,598, plus strand): 5'-GCTCCAGGCCCGAGGCCTCCCGAGAGCCTCACCTGCTGCTGGCTCTGCTCTTCCAGGTTC[A>G]TCTTCACCTCCAGCGACTGGCGGGCCTCCAGGAAGGCCTTGCGGTGCTTGCGGTCAGCCA-3'
Protein context (NP_004027.2, residues 256-276): LEARQSLEVK[Met266Thr]NLEEQSQQQE